The following is an entry in ClinVar:

ClinVar aggregate classification (germline): Likely pathogenic (1 of 4 stars; one submission).

Conditions:
Cardiovascular phenotype. Identifiers: MedGen CN230736.

Submission:

Ambry Genetics
Classification: Likely pathogenic for Cardiovascular phenotype. Last evaluated: 2024-11-27. Review status: criteria provided, single submitter. Criteria: Ambry Variant Classification Scheme 2023. Collection method: clinical testing. Allele origin: germline.
Comment: The c.6363delT variant, located in coding exon 26 of the TTN gene, results from a deletion of one nucleotide at nucleotide position 6363, causing a translational frameshift with a predicted alternate stop codon (p.V2122Sfs*6). This exon is located in the near Z-disk/I-band region of the N2-B isoform of the titin protein and is constitutively expressed in TTN transcripts (percent spliced in or PSI 100%). This variant is considered to be rare based on population cohorts in the Genome Aggregation Database (gnomAD). This alteration is expected to result in loss of function by premature protein truncation or nonsense-mediated mRNA decay. While truncating variants in TTN are present in 1-3% of the general population, truncating variants in the A-band are the most common cause of dilated cardiomyopathy (DCM) (Herman DS et al. N. Engl. J. Med., 2012 Feb;366:619-28; Roberts AM et al. Sci Transl Med, 2015 Jan;7:270ra6). TTN truncating variants encoded in constitutive exons (PSI >90%) have been found to be significantly associated with DCM regardless of their position in titin (Schafer S et al. Nat. Genet., 2017 01;49:46-53). Based on the majority of available evidence to date, this variant is likely to be pathogenic.

NM_001267550.2(TTN):c.6501del (p.Val2168fs)

Gene: TTN (titin; minus strand). Cytogenetic location: 2q31.2.
Variant type: Deletion.
Coding change: c.6501del on transcript NM_001267550.2 (MANE Select); coding-DNA position 6501, one base deleted (T; older notation c.6501delT).
Protein change: p.Val2168fs; shifts the reading frame from valine 2168.
Molecular consequence: frameshift variant.
Genome position (GRCh38, 1-based): chr2:178,775,363, A deleted on the plus strand (T on the coding strand, the reverse complement: TTN is on the minus strand); the first of 2 consecutive A bases (chr2:178,775,363-178,775,364); deleting either gives the same sequence. VCF-style (leftmost placement, unchanged base first): chr2-178775362-CA-C. GRCh37 (hg19) VCF-style: chr2-179640089-CA-C.
Other names: c.6501del, p.Val2168fs (NM_001256850.1, NM_133378.4, NM_133379.5); c.6363del, p.Val2122fs (NM_003319.4, NM_133432.3, NM_133437.4); c.6363delT (NM_003319.4); short protein forms V2168fs, V2122fs.
Identifiers: ClinVar variation 3464233 (VCV003464233.1).
Genomic context (GRCh38, chr2:178,775,362, plus strand): 5'-TGGATATTCTTGAATACAAAGACAGGTCCATCAAAGGAAAGACATGCAAATTACCTTGGA[CA>C]AGTAAGAATGCGTGACTGGAGGTTTCTCCAGCTATGTTGATGGCTTTTACCATGATGCTG-3'